The following is an entry in ClinVar:

ClinVar aggregate classification (germline): Uncertain significance. Review status: criteria provided, multiple submitters, no conflicts (2 of 4 stars). 4 submissions from 4 submitters: Uncertain significance (4). Last evaluated 2025-05-20.

Conditions:
Neonatal-onset encephalopathy with rigidity and seizures. Also called: Lethal neonatal spasticity-epileptic encephalopathy syndrome. Identifiers: Orphanet 435845, MedGen C3281029, MONDO:0013784, OMIM 614498.
Inborn genetic diseases. Identifiers: MedGen C0950123, MeSH D030342.

Allele frequency attached by ClinVar (database versions not stated): ExAC 0.00008; gnomAD exomes 0.00008 and 0.00015; gnomAD 0.00013; TOPMed 0.00014; ESP Exome Variant Server 0.00015.
gnomAD v4.1: 228 of 1,536,024 alleles (0.015%); highest among the groups gnomAD compares: Non-Finnish European, 0.019%; no homozygotes.

Submissions (4):

GeneDx
Classification: Uncertain significance. Last evaluated: 2025-05-20. Review status: criteria provided, single submitter. Criteria: GeneDx Variant Classification Process June 2021. Collection method: clinical testing. Allele origin: germline. Affected: yes.
Comment: In silico analysis suggests that this missense variant does not alter protein structure/function; Has not been previously published as pathogenic or benign to our knowledge

Blueprint Genetics
Classification: Uncertain significance. Last evaluated: 2024-10-23. Review status: criteria provided, single submitter. Criteria: ACMG Guidelines, 2015. Collection method: clinical testing. Allele origin: germline.

Ambry Genetics
Classification: Uncertain significance for Inborn genetic diseases. Last evaluated: 2024-09-13. Review status: criteria provided, single submitter. Criteria: Ambry Variant Classification Scheme 2023. Collection method: clinical testing. Allele origin: germline.

Labcorp Genetics (formerly Invitae), Labcorp
Classification: Uncertain significance for Neonatal-onset encephalopathy with rigidity and seizures. Last evaluated: 2022-08-22. Review status: criteria provided, single submitter. Criteria: Invitae Variant Classification Sherloc (09022015). Collection method: clinical testing. Allele origin: germline.
Comment: This sequence change replaces alanine, which is neutral and non-polar, with threonine, which is neutral and polar, at codon 255 of the BRAT1 protein (p.Ala255Thr). This variant is present in population databases (rs149503475, gnomAD 0.02%). This variant has not been reported in the literature in individuals affected with BRAT1-related conditions. ClinVar contains an entry for this variant (Variation ID: 573135). Algorithms developed to predict the effect of missense changes on protein structure and function output the following: SIFT: "Tolerated"; PolyPhen-2: "Benign"; Align-GVGD: "Class C0". The threonine amino acid residue is found in multiple mammalian species, which suggests that this missense change does not adversely affect protein function. In summary, the available evidence is currently insufficient to determine the role of this variant in disease. Therefore, it has been classified as a Variant of Uncertain Significance.

NM_152743.4(BRAT1):c.763G>A (p.Ala255Thr)

Gene: BRAT1 (BRCA1 associated ATM activator 1; minus strand). Cytogenetic location: 7p22.3.
Variant type: single nucleotide variant.
Coding change: c.763G>A on transcript NM_152743.4 (MANE Select); coding-DNA position 763, G replaced by A.
Protein change: p.Ala255Thr; replaces alanine 255 with threonine.
Molecular consequence: missense variant. On other transcripts: non-coding transcript variant (1).
Genome position (GRCh38, 1-based): chr7:2,543,630, C>T on the plus strand (G>A on the coding strand, the complement: BRAT1 is on the minus strand). VCF-style: chr7-2543630-C-T. GRCh37 (hg19) VCF-style: chr7-2583264-C-T.
Other names: c.763G>A, p.Ala255Thr (NM_001350626.2); c.238G>A, p.Ala80Thr (NM_001350627.2); short protein forms A255T, A80T.
Identifiers: ClinVar variation 573135 (VCV000573135.12), dbSNP rs149503475, ClinGen allele CA4128104.